The following is an entry in ClinVar:

ClinVar aggregate classification (germline): Uncertain significance (3 of 4 stars; one submission).

Conditions:
Monogenic diabetes. Identifiers: Orphanet 183625, MedGen C3888631, MONDO:0015967.

Submission:

ClinGen Monogenic Diabetes Variant Curation Expert Panel
Classification: Uncertain significance for Monogenic diabetes. Last evaluated: 2024-10-13. Review status: reviewed by expert panel. Criteria: ClinGen Diabetes ACMG Specifications HNF1A V2.1.0. Collection method: curation. Allele origin: germline. Inheritance: Autosomal dominant inheritance.
Comment: The c.448A>G variant in the HNF1 homeobox A gene, HNF1A, causes an amino acid change of lysine to glutamic acid at codon 150 (p.(Lys150Glu)) of NM_000545.8. This variant is located within a conserved region of the DNA binding domain (codons 107-174 and 201-280) of HNF1A, which is defined as critical for the protein’s function by the ClinGen MDEP (PM1_Supporting). Additonally, this variant is predicted to be deleterious by computational evidence, with a REVEL score of 0.951, which is greater than the MDEP VCEP threshold of 0.70 (PP3). This variant is absent from gnomAD from gnomAD v2.1.1 (PM2_Supporting). This variant was identified in two unrelated individuals with non-autoimmune and non-absolute/near-absolute insulin-deficient diabetes; however, PS4_Moderate cannot be applied because this number is below the ClinGen MDEP threshold (PMID: 36257325). Another missense variant at this residue, p.(Lys150Asn) has been classified as a VUS by the ClinGen MDEP; therefore, PM5 will not be applied. In summary, c.448A>G meets the criteria to be classified as a variant of uncertain significance for monogenic diabetes. ACMG/AMP criteria applied, as specified by the ClinGen MDEP VCEP (specification version 2.1.1, approved 8/11/2023): PM1_Supporting, PP3, PM2_Supporting.

NM_000545.8(HNF1A):c.448A>G (p.Lys150Glu)

Gene: HNF1A (HNF1 homeobox A; plus strand). Cytogenetic location: 12q24.31.
Variant type: single nucleotide variant.
Coding change: c.448A>G on transcript NM_000545.8 (MANE Select); coding-DNA position 448, A replaced by G.
Protein change: p.Lys150Glu; replaces lysine 150 with glutamic acid.
Molecular consequence: missense variant.
Genome position (GRCh38, 1-based): chr12:120,988,954, A>G. VCF-style: chr12-120988954-A-G. GRCh37 (hg19) VCF-style: chr12-121426757-A-G.
Other names: NM_001306179.2:c.448A>G; c.448A>G, p.Lys150Glu (NM_001306179.2, NM_001406915.1); short protein forms K150E.
Identifiers: ClinVar variation 3370448 (VCV003370448.1).